The following is an entry in ClinVar:

NM_024301.5(FKRP):c.347G>T (p.Arg116Leu)

Gene: FKRP (fukutin related protein; plus strand). Cytogenetic location: 19q13.32.
Variant type: single nucleotide variant.
Coding change: c.347G>T on transcript NM_024301.5 (MANE Select); coding-DNA position 347, G replaced by T.
Protein change: p.Arg116Leu; replaces arginine 116 with leucine.
Molecular consequence: missense variant.
Genome position (GRCh38, 1-based): chr19:46,755,797, G>T. VCF-style: chr19-46755797-G-T. GRCh37 (hg19) VCF-style: chr19-47259054-G-T.
Other names: c.347G>T, p.Arg116Leu (NM_001039885.3); short protein forms R116L.
Identifiers: ClinVar variation 1010465 (VCV001010465.7), dbSNP rs1235772349, ClinGen allele CA406495148.

ClinVar aggregate classification (germline): Uncertain significance. Review status: criteria provided, multiple submitters, no conflicts (2 of 4 stars). 2 submissions from 2 submitters: Uncertain significance (2). Last evaluated 2026-06-16.

Conditions:
Walker-Warburg congenital muscular dystrophy. Also called: Muscular dystrophy-dystroglycanopathy, type A; Walker-Warburg syndrome. Identifiers: Orphanet 899, MedGen C0265221, MONDO:0000171.

Allele frequency attached by ClinVar (database versions not stated): gnomAD 0.00001; TOPMed 0.00002.

Submissions (2):

Women's Health and Genetics/Laboratory Corporation of America, LabCorp
Classification: Uncertain significance. Last evaluated: 2026-06-16. Review status: criteria provided, single submitter. Criteria: LabCorp Variant Classification Summary - May 2015. Collection method: clinical testing. Allele origin: germline.

Labcorp Genetics (formerly Invitae), Labcorp
Classification: Uncertain significance for Walker-Warburg congenital muscular dystrophy. Last evaluated: 2021-08-28. Review status: criteria provided, single submitter. Criteria: Invitae Variant Classification Sherloc (09022015). Collection method: clinical testing. Allele origin: germline.
Comment: This sequence change replaces arginine with leucine at codon 116 of the FKRP protein (p.Arg116Leu). The arginine residue is highly conserved and there is a moderate physicochemical difference between arginine and leucine. The frequency data for this variant in the population databases is considered unreliable, as metrics indicate insufficient coverage at this position in the ExAC database. This variant has not been reported in the literature in individuals affected with FKRP-related conditions. Algorithms developed to predict the effect of missense changes on protein structure and function are either unavailable or do not agree on the potential impact of this missense change (SIFT: "Deleterious"; PolyPhen-2: "Benign"; Align-GVGD: "Class C0"). In summary, the available evidence is currently insufficient to determine the role of this variant in disease. Therefore, it has been classified as a Variant of Uncertain Significance.